The following is an entry in ClinVar:

ClinVar aggregate classification (germline): Conflicting classifications of pathogenicity. Review status: criteria provided, conflicting classifications (1 of 4 stars). 18 submissions from 14 submitters: Uncertain significance (3); Benign (10); Likely benign (5). Last evaluated 2026-02-02.

Conditions:
Cardiovascular phenotype. Identifiers: MedGen CN230736.
Dilated cardiomyopathy 1G (CMD1G). Identifiers: Orphanet 154, MedGen C1858763, MONDO:0011400, OMIM 604145.
Autosomal recessive limb-girdle muscular dystrophy type 2J (LGMDR10). Also called: Limb-girdle muscular dystrophy, type 2J; MUSCULAR DYSTROPHY, LIMB-GIRDLE, AUTOSOMAL RECESSIVE 10. Identifiers: Orphanet 140922, MedGen C1837342, MONDO:0012127, OMIM 608807.
Cardiomyopathy (CMYO). Also called: Cardiomyopathies. Identifiers: Orphanet 167848, MedGen C0878544, MONDO:0004994, HP:0001638. Inheritance: Various modes of inheritance.
Myopathy, myofibrillar, 9, with early respiratory failure (MFM9). Also called: Hereditary myopathy with early respiratory failure; MYOPATHY, PROXIMAL, WITH EARLY RESPIRATORY MUSCLE INVOLVEMENT; Myopathy, distal, with early respiratory failure, autosomal dominant; EDSTROM MYOPATHY. Identifiers: Orphanet 178464, Orphanet 34521, MedGen C1863599, MONDO:0011362, OMIM 603689.
Tibial muscular dystrophy (TMD). Also called: UDD MYOPATHY; Tibial muscular dystrophy, tardive; Udd Distal Myopathy – Tibial Muscular Dystrophy. Identifiers: Orphanet 609, MedGen C1838244, MONDO:0010870, OMIM 600334.
Early-onset myopathy with fatal cardiomyopathy (CMYO5). Also called: Salih Myopathy; CONGENITAL MYOPATHY 5 WITH CARDIOMYOPATHY. Identifiers: Orphanet 289377, MedGen C2673677, MONDO:0012714, OMIM 611705. Disease mechanism: loss of function.
Primary dilated cardiomyopathy (DCM). Also called: Dilated Cardiomyopathy. Identifiers: Orphanet 217604, MedGen C0007193, MeSH D002311, MONDO:0005021, HP:0001644. Inheritance: Various modes of inheritance.

Allele frequency attached by ClinVar (database versions not stated): gnomAD exomes 0.00061; ESP Exome Variant Server 0.00217; TOPMed 0.00260; 1000 Genomes Project 0.00339; 1000 Genomes Project 30x 0.00344; ExAC 0.00075; gnomAD 0.00255.
gnomAD v4.1: 808 of 1,613,860 alleles (0.05%); highest among the groups gnomAD compares: African/African-American, 0.85%; 9 homozygotes.

Submissions (18):

Labcorp Genetics (formerly Invitae), Labcorp
Classification: Benign for Dilated cardiomyopathy 1G; Autosomal recessive limb-girdle muscular dystrophy type 2J. Last evaluated: 2026-02-02. Review status: criteria provided, single submitter. Criteria: Invitae Variant Classification Sherloc (09022015). Collection method: clinical testing. Allele origin: germline.

Mayo Clinic Laboratories, Mayo Clinic
Classification: Likely benign. Last evaluated: 2025-09-30. Review status: criteria provided, single submitter. Criteria: ACMG Guidelines, 2015. Collection method: clinical testing. Allele origin: germline. Observed: 8 variant alleles.
Comment: BS1, BP4_moderate

Molecular Diagnostic Laboratory for Inherited Cardiovascular Disease, Montreal Heart Institute
Classification: Benign. Last evaluated: 2025-04-09. Review status: criteria provided, single submitter. Criteria: ACMG Guidelines, 2015. Collection method: clinical testing. Allele origin: germline. Affected: no.

CeGaT Center for Human Genetics Tuebingen
Classification: Likely benign. Last evaluated: 2025-03-01. Review status: criteria provided, single submitter. Criteria: CeGaT Center For Human Genetics Tuebingen Variant Classification Criteria Version 2. Collection method: clinical testing. Allele origin: germline. Affected: yes. Observed: 5 variant alleles.
Comment: TTN: BP4, BS2

Blueprint Genetics
Classification: Likely benign. Last evaluated: 2024-10-02. Review status: criteria provided, single submitter. Criteria: ACMG Guidelines, 2015. Collection method: clinical testing. Allele origin: germline.

ARUP Laboratories, Molecular Genetics and Genomics, ARUP Laboratories
Classification: Likely benign. Last evaluated: 2023-11-29. Review status: criteria provided, single submitter. Criteria: ARUP Molecular Germline Variant Investigation Process 2024. Collection method: clinical testing. Allele origin: germline.

CHEO Genetics Diagnostic Laboratory, Children's Hospital of Eastern Ontario
Classification: Benign for Cardiomyopathy. Last evaluated: 2023-06-06. Review status: criteria provided, single submitter. Criteria: ACMG Guidelines, 2015. Collection method: clinical testing. Allele origin: germline.

Women's Health and Genetics/Laboratory Corporation of America, LabCorp
Classification: Benign. Last evaluated: 2021-05-03. Review status: criteria provided, single submitter. Criteria: LabCorp Variant Classification Summary - May 2015. Collection method: clinical testing. Allele origin: germline.
Comment: Variant summary: TTN c.81004A>G (p.Ile27002Val) results in a conservative amino acid change located in the A-band region of the encoded protein sequence. Four of five in-silico tools predict a benign effect of the variant on protein function. The variant allele was found at a frequency of 0.00061 in 248686 control chromosomes, predominantly at a frequency of 0.0085 within the African or African-American subpopulation in the gnomAD database. The observed variant frequency within African or African-American control individuals in the gnomAD database is approximately 21.8- fold the estimated maximal expected allele frequency for a pathogenic variant in TTN causing Dilated Cardiomyopathy phenotype (0.00039), strongly suggesting that the variant is a benign polymorphism found primarily in populations of African or African-American origin. Eight clinical diagnostic laboratories have submitted clinical-significance assessments for this variant to ClinVar after 2014 without evidence for independent evaluation. Based on the evidence outlined above, the variant was classified as benign.

Center for Advanced Laboratory Medicine, UC San Diego Health, University of California San Diego
Classification: Benign for Dilated cardiomyopathy. Last evaluated: 2019-05-08. Review status: criteria provided, single submitter. Criteria: ACMG Guidelines, 2015. Collection method: clinical testing. Allele origin: germline. Affected: yes. Observed: 2 variant alleles.

Illumina Laboratory Services, Illumina
Classification: Uncertain significance for Autosomal recessive limb-girdle muscular dystrophy type 2J. Last evaluated: 2018-01-13. Review status: criteria provided, single submitter. Criteria: ICSL Variant Classification Criteria 13 December 2019. Collection method: clinical testing. Allele origin: germline.

Illumina Laboratory Services, Illumina
Classification: Uncertain significance for Early-onset myopathy with fatal cardiomyopathy. Last evaluated: 2018-01-13. Review status: criteria provided, single submitter. Criteria: ICSL Variant Classification Criteria 13 December 2019. Collection method: clinical testing. Allele origin: germline.

Illumina Laboratory Services, Illumina
Classification: Benign for Myopathy, myofibrillar, 9, with early respiratory failure. Last evaluated: 2018-01-13. Review status: criteria provided, single submitter. Criteria: ICSL Variant Classification Criteria 13 December 2019. Collection method: clinical testing. Allele origin: germline.
Comment: This variant was observed in the ICSL laboratory as part of a predisposition screen in an ostensibly healthy population. It had not been previously curated by ICSL or reported in the Human Gene Mutation Database (HGMD: prior to June 1st, 2018), and was therefore a candidate for classification through an automated scoring system. Utilizing variant allele frequency, disease prevalence and penetrance estimates, and inheritance mode, an automated score was calculated to assess if this variant is too frequent to cause the disease. Based on the score and internal cut-off values, a variant classified as benign is not then subjected to further curation. The score for this variant resulted in a classification of benign for this disease.

Illumina Laboratory Services, Illumina
Classification: Uncertain significance for Dilated cardiomyopathy 1G. Last evaluated: 2018-01-13. Review status: criteria provided, single submitter. Criteria: ICSL Variant Classification Criteria 13 December 2019. Collection method: clinical testing. Allele origin: germline.

Illumina Laboratory Services, Illumina
Classification: Benign for Tibial muscular dystrophy. Last evaluated: 2018-01-13. Review status: criteria provided, single submitter. Criteria: ICSL Variant Classification Criteria 13 December 2019. Collection method: clinical testing. Allele origin: germline.
Comment: the same text as in the submission from Illumina Laboratory Services, Illumina above.

Ambry Genetics
Classification: Benign for Cardiovascular phenotype. Last evaluated: 2015-10-23. Review status: criteria provided, single submitter. Criteria: Ambry Variant Classification Scheme 2023. Collection method: clinical testing. Allele origin: germline.

Eurofins Ntd Llc (ga)
Classification: Benign. Last evaluated: 2015-06-09. Review status: criteria provided, single submitter. Criteria: EGL Classification Definitions 2015. Collection method: clinical testing. Allele origin: germline. Observed: 1 variant allele, 1 heterozygote.

GeneDx
Classification: Benign. Last evaluated: 2015-04-08. Review status: criteria provided, single submitter. Criteria: GeneDx Variant Classification (06012015). Collection method: clinical testing. Allele origin: germline. Affected: yes.
Comment: This variant is considered likely benign or benign based on one or more of the following criteria: it is a conservative change, it occurs at a poorly conserved position in the protein, it is predicted to be benign by multiple in silico algorithms, and/or has population frequency not consistent with disease.

Laboratory for Molecular Medicine, Mass General Brigham Personalized Medicine
Classification: Likely benign. Last evaluated: 2015-04-01. Review status: criteria provided, single submitter. Criteria: LMM Criteria. Collection method: clinical testing. Allele origin: germline. Observed: 5 variant alleles.
Comment: p.Ile27002Val in exon 281 of TTN: This variant is not expected to have clinical significance because it has been identified in 0.8% (79/9802) of African chromos omes by the Exome Aggregation Consortium (ExAC; dbSNP rs139506970).

Literature cited by the submitters: PubMed 32746448 (cited by Mayo Clinic Laboratories, Mayo Clinic).

NM_001267550.2(TTN):c.88708A>G (p.Ile29570Val)

Genes: TTN (titin; minus strand), TTN-AS1 (TTN antisense RNA 1; plus strand). Cytogenetic location: 2q31.2.
Variant type: single nucleotide variant.
Coding change: c.88708A>G on transcript NM_001267550.2 (MANE Select); coding-DNA position 88708, A replaced by G.
Protein change: p.Ile29570Val; replaces isoleucine 29570 with valine.
Molecular consequence: missense variant.
Genome position (GRCh38, 1-based): chr2:178,554,639, T>C on the plus strand (A>G on the coding strand, the complement: TTN is on the minus strand). VCF-style: chr2-178554639-T-C. GRCh37 (hg19) VCF-style: chr2-179419366-T-C.
Other names: p.I27929V:ATT>GTT; c.83785A>G, p.Ile27929Val (NM_001256850.1); c.61513A>G, p.Ile20505Val (NM_003319.4); c.81004A>G, p.Ile27002Val (NM_133378.4); c.61888A>G, p.Ile20630Val (NM_133432.3); c.62089A>G, p.Ile20697Val (NM_133437.4); short protein forms I27002V, I29570V, I27929V, I20505V, I20697V, I20630V.
Identifiers: ClinVar variation 96313 (VCV000096313.65), dbSNP rs139506970, ClinGen allele CA181657.
Genomic context (GRCh38, chr2:178,554,639, plus strand): 5'-CTTCCAAATGTTCAGACACCATAGACCACACAACGCGGCTTGTCTCACGCTTTTCCACAA[T>C]GTAGTGAGTGATTTTTGCACCACCATCATCAGCTGGAGGCCGCCAGAGAAGGGTGATCTT-3'
Protein context (NP_001254479.2, residues 29560-29580): DDGGAKITHY[Ile29570Val]VEKRETSRVV